The following is an entry in ClinVar:

ClinVar aggregate classification (germline): Uncertain significance (1 of 4 stars; one submission).

gnomAD v4.1: 2 of 1,613,970 alleles (0.00012%); highest among the groups gnomAD compares: Admixed American, 0.0017%; no homozygotes.

Submission:

GeneDx
Classification: Uncertain significance. Last evaluated: 2026-02-04. Review status: criteria provided, single submitter. Criteria: GeneDx Variant Classification Process June 2021. Collection method: clinical testing. Allele origin: germline.
Comment: Not observed at significant frequency in large population cohorts (gnomAD); In silico analysis suggests that this missense variant does not alter protein structure/function; Has not been previously published as pathogenic or benign to our knowledge; This substitution is predicted to be within the C-terminal cytoplasmic domain

NM_001040142.2(SCN2A):c.5488C>G (p.Leu1830Val)

Gene: SCN2A (sodium voltage-gated channel alpha subunit 2; plus strand). Cytogenetic location: 2q24.3.
Variant type: single nucleotide variant.
Coding change: c.5488C>G on transcript NM_001040142.2 (MANE Select); coding-DNA position 5488, C replaced by G.
Protein change: p.Leu1830Val; replaces leucine 1830 with valine.
Molecular consequence: missense variant.
Genome position (GRCh38, 1-based): chr2:165,389,294, C>G. VCF-style: chr2-165389294-C-G. GRCh37 (hg19) VCF-style: chr2-166245804-C-G.
Other names: c.5488C>G, p.Leu1830Val (NM_001040143.2, NM_001371246.1, NM_001371247.1 and 1 more transcripts); short protein forms L1830V.
Identifiers: ClinVar variation 4976206 (VCV004976206.1).
Genomic context (GRCh38, chr2:165,389,294, plus strand): 5'-ACCCAGTTTATAGAGTTTGCCAAACTTTCTGATTTTGCAGATGCCCTGGATCCTCCTCTT[C>G]TCATAGCAAAACCCAACAAAGTCCAGCTCATTGCCATGGATCTGCCCATGGTGAGTGGTG-3'
Protein context (NP_001035232.1, residues 1820-1840): DFADALDPPL[Leu1830Val]IAKPNKVQLI